The following is an entry in ClinVar:

NM_001366145.2(TRPM3):c.1298A>G (p.Glu433Gly)

Gene: TRPM3 (transient receptor potential cation channel subfamily M member 3; minus strand). Cytogenetic location: 9q21.12.
Variant type: single nucleotide variant.
Coding change: c.1298A>G on transcript NM_001366145.2 (MANE Select); coding-DNA position 1298, A replaced by G.
Protein change: p.Glu433Gly; replaces glutamic acid 433 with glycine.
Molecular consequence: missense variant.
Genome position (GRCh38, 1-based): chr9:70,681,553, T>C on the plus strand (A>G on the coding strand, the complement: TRPM3 is on the minus strand). VCF-style: chr9-70681553-T-C. GRCh37 (hg19) VCF-style: chr9-73296469-T-C.
Other names: c.1298A>G, p.Glu433Gly (NM_001007471.4, NM_001366146.2, NM_001366149.2 and 2 more transcripts); c.1304A>G, p.Glu435Gly (NM_001366141.2, NM_001366142.2, NM_001366143.2); c.1373A>G, p.Glu458Gly (NM_001366147.2, NM_001366148.2, NM_001366152.2); c.839A>G, p.Glu280Gly (NM_001366154.2, NM_020952.6, NM_024971.7 and 2 more transcripts); c.914A>G, p.Glu305Gly (NM_206946.5, NM_206947.5); short protein forms E280G, E305G, E433G, E435G, E458G.
Identifiers: ClinVar variation 4686501 (VCV004686501.1).

ClinVar aggregate classification (germline): Uncertain significance (1 of 4 stars; one submission).

Submission:

GeneDx
Classification: Uncertain significance. Last evaluated: 2025-07-16. Review status: criteria provided, single submitter. Criteria: GeneDx Variant Classification Process June 2021. Collection method: clinical testing. Allele origin: germline. Affected: yes.
Comment: Not observed at significant frequency in large population cohorts (gnomAD); In silico analysis supports that this missense variant has a deleterious effect on protein structure/function; Has not been previously published as pathogenic or benign to our knowledge